The following is an entry in ClinVar:

ClinVar aggregate classification (germline): Likely benign. Review status: criteria provided, single submitter (1 of 4 stars). 2 submissions from 2 submitters: Likely benign (1). 1 of the submissions does not count toward it. Last evaluated 2025-10-14.

Conditions:
Blau syndrome (BLAUS). Also called: ARTHROCUTANEOUVEAL GRANULOMATOSIS; GRANULOMATOSIS, FAMILIAL JUVENILE SYSTEMIC; GRANULOMATOSIS, FAMILIAL, BLAU TYPE; GRANULOMATOUS INFLAMMATORY ARTHRITIS, DERMATITIS, AND UVEITIS, FAMILIAL; JABS SYNDROME. Identifiers: Orphanet 90340, MedGen C5201146, MONDO:0008523, OMIM 186580.
Regional enteritis. Also called: Enteritis, Granulomatous. Identifiers: MedGen C0678202, MeSH D003424.

Allele frequency attached by ClinVar (database versions not stated): ExAC 0.00001; gnomAD exomes 0.00001; TOPMed 0.00003.
gnomAD v4.1: 20 of 1,613,338 alleles (0.0012%); highest among the groups gnomAD compares: Non-Finnish European, 0.0016%; no homozygotes.

Submissions (2):

Labcorp Genetics (formerly Invitae), Labcorp
Classification: Likely benign for Regional enteritis; Blau syndrome. Last evaluated: 2025-10-14. Review status: criteria provided, single submitter. Criteria: Invitae Variant Classification Sherloc (09022015). Collection method: clinical testing. Allele origin: germline.

Unité médicale des maladies autoinflammatoires, CHRU Montpellier
No classification provided. Condition: Sarcoidosis, early-onset. Review status: no classification provided. Collection method: not provided. Allele origin: unknown. Not counted in ClinVar's aggregate classification.
Comment: also involved in OMIM 186580 and 266600

NM_001370466.1(NOD2):c.1500C>G (p.Pro500=)

Gene: NOD2 (nucleotide binding oligomerization domain containing 2; plus strand). Cytogenetic location: 16q12.1.
Variant type: single nucleotide variant.
Coding change: c.1500C>G on transcript NM_001370466.1 (MANE Select); coding-DNA position 1500, C replaced by G.
Protein change: p.Pro500=; no amino-acid change (proline 500 retained).
Molecular consequence: synonymous variant. On other transcripts: non-coding transcript variant (1).
Genome position (GRCh38, 1-based): chr16:50,711,492, C>G. VCF-style: chr16-50711492-C-G. GRCh37 (hg19) VCF-style: chr16-50745403-C-G.
Other names: c.1581C>G (LRG_177t1); c.1500C>G, p.Pro500= (NM_001293557.2); c.1581C>G, p.Pro527= (NM_022162.3).
Identifiers: ClinVar variation 97835 (VCV000097835.8), dbSNP rs104895435, ClinGen allele CA150219.